The following is an entry in ClinVar:

NM_001130987.2(DYSF):c.4375C>T (p.Gln1459Ter)

Gene: DYSF (dysferlin; plus strand). Cytogenetic location: 2p13.2.
Variant type: single nucleotide variant.
Coding change: c.4375C>T on transcript NM_001130987.2 (MANE Select); coding-DNA position 4375, C replaced by T.
Protein change: p.Gln1459Ter; replaces glutamine 1459 with a stop codon.
Molecular consequence: nonsense.
Genome position (GRCh38, 1-based): chr2:71,612,794, C>T. VCF-style: chr2-71612794-C-T. GRCh37 (hg19) VCF-style: chr2-71839924-C-T.
Other names: c.4324C>T, p.Gln1442Ter (NM_001130455.2, NM_001130983.2); c.4279C>T, p.Gln1427Ter (NM_001130976.2, NM_001130977.2); c.4321C>T, p.Gln1441Ter (NM_001130978.2, NM_003494.4); c.4414C>T, p.Gln1472Ter (NM_001130979.2); c.4372C>T, p.Gln1458Ter (NM_001130980.2, NM_001130981.2); c.4417C>T, p.Gln1473Ter (NM_001130982.2); c.4282C>T, p.Gln1428Ter (NM_001130984.2, NM_001130986.2); c.4375C>T, p.Gln1459Ter (NM_001130985.2); short protein forms Q1427*, Q1428*, Q1441*, Q1442*, Q1458*, Q1459*, Q1472*, Q1473*.
Identifiers: ClinVar variation 5013165 (VCV005013165.1).

ClinVar aggregate classification (germline): Pathogenic (1 of 4 stars; one submission).

Conditions:
Autosomal recessive limb-girdle muscular dystrophy. Identifiers: Orphanet 102015, MedGen C2931907, MONDO:0015152.

gnomAD v4.1: 1 of 1,612,260 alleles (0.000062%); highest among the groups gnomAD compares: East Asian, 0.0022%; no homozygotes.

Submission:

Myriad Genetics, Inc.
Classification: Pathogenic for Autosomal recessive limb-girdle muscular dystrophy. Last evaluated: 2024-06-11. Review status: criteria provided, single submitter. Criteria: Myriad Autosomal Dominant, Autosomal Recessive and X-Linked Classification Criteria (2023). Collection method: clinical testing. Allele origin: unknown.
Comment: NM_003494.3(DYSF):c.4321C>T(Q1441*) is expected to be pathogenic in the context of dysferlinopathy. This variant is predicted to lead to an abnormal or absent protein product due to the creation of a premature termination codon in DYSF, a gene where loss-of-function variants are known to be pathogenic. Please note: this variant was assessed in the context of healthy population screening.